The following is an entry in ClinVar:

ClinVar aggregate classification (germline): Uncertain significance (1 of 4 stars; one submission).

Conditions:
Autosomal recessive limb-girdle muscular dystrophy type 2J (LGMDR10). Also called: Limb-girdle muscular dystrophy, type 2J; MUSCULAR DYSTROPHY, LIMB-GIRDLE, AUTOSOMAL RECESSIVE 10. Identifiers: Orphanet 140922, MedGen C1837342, MONDO:0012127, OMIM 608807.
Dilated cardiomyopathy 1G (CMD1G). Identifiers: Orphanet 154, MedGen C1858763, MONDO:0011400, OMIM 604145.

Allele frequency attached by ClinVar (database versions not stated): gnomAD exomes below 0.00001; gnomAD 0.00001; TOPMed 0.00001.
gnomAD v4.1: 3 of 1,613,306 alleles (0.00019%); highest among the groups gnomAD compares: Non-Finnish European, 0.00025%; no homozygotes.

Submission:

Labcorp Genetics (formerly Invitae), Labcorp
Classification: Uncertain significance for Dilated cardiomyopathy 1G; Autosomal recessive limb-girdle muscular dystrophy type 2J. Last evaluated: 2017-02-08. Review status: criteria provided, single submitter. Criteria: Invitae Variant Classification Sherloc (09022015). Collection method: clinical testing. Allele origin: germline.
Comment: This sequence change replaces histidine with arginine at codon 25355 of the TTN protein (p.His25355Arg). There is a small physicochemical difference between histidine and arginine. This variant is not present in population databases (ExAC no frequency). This variant has been reported in an individual who suffered an unexplained death (PMID: 27930701). This variant is also known as c.68360A>G, p.His22787Arg in the literature. This variant identified in the TTN gene is located in the A band of the resulting protein (PMID: 25589632). It is unclear how this variant impacts the function of this protein. Algorithms developed to predict the effect of missense changes on protein structure and function are unavailable for the TTN gene. Algorithms developed to predict the effect of sequence changes on RNA splicing suggest that this variant may alter RNA splicing, but this prediction has not been confirmed by published transcriptional studies. In summary, this variant is a rare missense change with uncertain impact on protein function. While it is absent from the population and reported in affected individuals, the available evidence is currently insufficient to determine its role in disease. Therefore, it has been classified as a Variant of Uncertain Significance.

NM_001267550.2(TTN):c.76064A>G (p.His25355Arg)

Genes: TTN-AS1 (TTN antisense RNA 1; plus strand), TTN (titin; minus strand). Cytogenetic location: 2q31.2.
Variant type: single nucleotide variant.
Coding change: c.76064A>G on transcript NM_001267550.2 (MANE Select); coding-DNA position 76064, A replaced by G.
Protein change: p.His25355Arg; replaces histidine 25355 with arginine.
Molecular consequence: missense variant.
Genome position (GRCh38, 1-based): chr2:178,570,068, T>C on the plus strand (A>G on the coding strand, the complement: TTN is on the minus strand). VCF-style: chr2-178570068-T-C. GRCh37 (hg19) VCF-style: chr2-179434795-T-C.
Other names: c.71141A>G, p.His23714Arg (NM_001256850.1); c.48869A>G, p.His16290Arg (NM_003319.4); c.68360A>G, p.His22787Arg (NM_133378.4); c.49244A>G, p.His16415Arg (NM_133432.3); c.49445A>G, p.His16482Arg (NM_133437.4); short protein forms H25355R, H22787R, H16482R, H16290R, H16415R, H23714R.
Identifiers: ClinVar variation 467483 (VCV000467483.1), dbSNP rs1399292028, ClinGen allele CA349617891.